The following is an entry in ClinVar:

NM_206933.4(USH2A):c.8826C>T (p.Asp2942=)

Gene: USH2A (usherin; minus strand). Cytogenetic location: 1q41.
Variant type: single nucleotide variant.
Coding change: c.8826C>T on transcript NM_206933.4 (MANE Select); coding-DNA position 8826, C replaced by T.
Protein change: p.Asp2942=; no amino-acid change (aspartic acid 2942 retained).
Molecular consequence: synonymous variant.
Genome position (GRCh38, 1-based): chr1:215,867,026, G>A on the plus strand (C>T on the coding strand, the complement: USH2A is on the minus strand). VCF-style: chr1-215867026-G-A. GRCh37 (hg19) VCF-style: chr1-216040368-G-A.
Other names: c.8826C>T (NM_206933.2).
Identifiers: ClinVar variation 1125629 (VCV001125629.11), dbSNP rs775823422, ClinGen allele CA1394496.

ClinVar aggregate classification (germline): Likely benign. Review status: criteria provided, single submitter (1 of 4 stars). 2 submissions from 2 submitters: Likely benign (1). 1 of the submissions does not count toward it. Last evaluated 2026-01-20.

Conditions:
USH2A-related disorder. Also called: USH2A-related disorders; USH2A-related condition. Identifiers: MedGen CN239332.

Allele frequency attached by ClinVar (database versions not stated): gnomAD 0.00002; gnomAD exomes 0.00004; ExAC 0.00002.
gnomAD v4.1: 23 of 1,613,968 alleles (0.0014%); highest among the groups gnomAD compares: East Asian, 0.0045%; no homozygotes.

Submissions (2):

Labcorp Genetics (formerly Invitae), Labcorp
Classification: Likely benign. Last evaluated: 2026-01-20. Review status: criteria provided, single submitter. Criteria: Invitae Variant Classification Sherloc (09022015). Collection method: clinical testing. Allele origin: germline.

PreventionGenetics, part of Exact Sciences
Classification: Likely benign for USH2A-related condition. Last evaluated: 2022-09-08. Review status: no assertion criteria provided. Collection method: clinical testing. Allele origin: germline. Not counted in ClinVar's aggregate classification.
Comment: This variant is classified as likely benign based on ACMG/AMP sequence variant interpretation guidelines (Richards et al. 2015 PMID: 25741868, with internal and published modifications).